The following is an entry in ClinVar:

NM_021098.3(CACNA1H):c.5778G>A (p.Ser1926=)

Gene: CACNA1H (calcium voltage-gated channel subunit alpha1 H; plus strand). Cytogenetic location: 16p13.3.
Variant type: single nucleotide variant.
Coding change: c.5778G>A on transcript NM_021098.3 (MANE Select); coding-DNA position 5778, G replaced by A.
Protein change: p.Ser1926=; no amino-acid change (serine 1926 retained).
Molecular consequence: synonymous variant.
Genome position (GRCh38, 1-based): chr16:1,218,542, G>A. VCF-style: chr16-1218542-G-A. GRCh37 (hg19) VCF-style: chr16-1268542-G-A.
Other names: c.5760G>A, p.Ser1920= (NM_001005407.2).
Identifiers: ClinVar variation 446955 (VCV000446955.14), dbSNP rs60526088, ClinGen allele CA7802123.
Genomic context (GRCh38, chr16:1,218,542, plus strand): 5'-GGGCGCCAGGGACGCCCCAAACCTGGTTGCACGCAAGGTGTCCGTGTCCAGGATGCTCTC[G>A]CTGCCCAACGACAGCTACATGTTCAGGCCCGTGGTGCCTGCCTCGGCGCCCCACCCCCGC-3'
Protein context (NP_066921.2, residues 1916-1936): ARKVSVSRML[Ser1926=]LPNDSYMFRP

ClinVar aggregate classification (germline): Benign. Review status: criteria provided, multiple submitters, no conflicts (2 of 4 stars). 4 submissions from 4 submitters: Benign (4). Last evaluated 2026-02-03.

Conditions:
Hyperaldosteronism, familial, type IV (HALD4). Also called: FH IV; ALDOSTERONISM, PRIMARY, AND HYPERTENSION. Identifiers: Orphanet 642671, MedGen C4310756, MONDO:0014875, OMIM 617027.
Idiopathic generalized epilepsy. Also called: Generalised epilepsy; EIG. Identifiers: MedGen C0270850, MONDO:0005579, OMIM 600669.

Allele frequency attached by ClinVar (database versions not stated): gnomAD exomes 0.02447 and 0.03548; ESP Exome Variant Server 0.04294; gnomAD 0.04674 and 0.04676; TOPMed 0.05024; ExAC 0.06647; 1000 Genomes Project 30x 0.06683; 1000 Genomes Project 0.06949.
gnomAD v4.1: 41,913 of 1,558,338 alleles (2.7%); highest among the groups gnomAD compares: African/African-American, 11%; 1,032 homozygotes.

Submissions (4):

Labcorp Genetics (formerly Invitae), Labcorp
Classification: Benign for Idiopathic generalized epilepsy; Hyperaldosteronism, familial, type IV. Last evaluated: 2026-02-03. Review status: criteria provided, single submitter. Criteria: Invitae Variant Classification Sherloc (09022015). Collection method: clinical testing. Allele origin: germline.

Athena Diagnostics
Classification: Benign. Last evaluated: 2025-10-15. Review status: criteria provided, single submitter. Criteria: Athena Diagnostics Criteria. Collection method: clinical testing. Allele origin: unknown.
Comment: The frequency of this variant in the general population is higher than would generally be expected for pathogenic variants in this gene.

GeneDx
Classification: Benign. Last evaluated: 2020-01-26. Review status: criteria provided, single submitter. Criteria: GeneDx Variant Classification Process June 2021. Collection method: clinical testing. Allele origin: germline. Affected: yes.

Breakthrough Genomics
Classification: Benign. Review status: criteria provided, single submitter. Criteria: ACMG Guidelines, 2015. Collection method: not provided. Allele origin: germline. Inheritance: Autosomal dominant inheritance. Affected: yes.

Literature cited by the submitters: PubMed 12891677 (cited by Athena Diagnostics).